The following is an entry in ClinVar:

ClinVar aggregate classification (germline): Pathogenic (1 of 4 stars; one submission).

Conditions:
Glycogen storage disease, type V (GSD5). Also called: MCARDLE DISEASE; MUSCLE GLYCOGEN PHOSPHORYLASE DEFICIENCY; MYOPHOSPHORYLASE DEFICIENCY; PYGM DEFICIENCY; McArdle type glycogen storage disease. Identifiers: Orphanet 368, MedGen C0017924, MONDO:0009293, OMIM 232600.

Submission:

Labcorp Genetics (formerly Invitae), Labcorp
Classification: Pathogenic for Glycogen storage disease, type V. Last evaluated: 2024-11-19. Review status: criteria provided, single submitter. Criteria: Invitae Variant Classification Sherloc (09022015). Collection method: clinical testing. Allele origin: germline.
Comment: This sequence change affects an acceptor splice site in intron 6 of the PYGM gene. It is expected to disrupt RNA splicing. Variants that disrupt the donor or acceptor splice site typically lead to a loss of protein function (PMID: 16199547), and loss-of-function variants in PYGM are known to be pathogenic (PMID: 8316268, 16786513). This variant is not present in population databases (gnomAD no frequency). Disruption of this splice site has been observed in individuals with glycogen storage disease (PMID: 17404776, 29143597). This variant is also known as IVS6-2A>T. Algorithms developed to predict the effect of sequence changes on RNA splicing suggest that this variant may disrupt the consensus splice site. For these reasons, this variant has been classified as Pathogenic.

Literature cited by the submitters: PubMed 16199547; PubMed 8316268; PubMed 16786513; PubMed 17404776; PubMed 29143597.

NM_005609.4(PYGM):c.773-2A>T

Gene: PYGM (glycogen phosphorylase, muscle associated; minus strand). Cytogenetic location: 11q13.1.
Variant type: single nucleotide variant.
Coding change: c.773-2A>T on transcript NM_005609.4 (MANE Select); the canonical splice acceptor site of the intron before coding-DNA position 773, A replaced by T.
Molecular consequence: splice acceptor variant.
Genome position (GRCh38, 1-based): chr11:64,755,357, T>A on the plus strand (A>T on the coding strand, the complement: PYGM is on the minus strand). VCF-style: chr11-64755357-T-A. GRCh37 (hg19) VCF-style: chr11-64522829-T-A.
Other names: c.509-2A>T (NM_001164716.1).
Identifiers: ClinVar variation 3721048 (VCV003721048.2).